The following is an entry in ClinVar:

NM_001852.4(COL9A2):c.1516G>A (p.Val506Met)

Gene: COL9A2 (collagen type IX alpha 2 chain; minus strand). Cytogenetic location: 1p34.2.
Variant type: single nucleotide variant.
Coding change: c.1516G>A on transcript NM_001852.4 (MANE Select); coding-DNA position 1516, G replaced by A.
Protein change: p.Val506Met; replaces valine 506 with methionine.
Molecular consequence: missense variant.
Genome position (GRCh38, 1-based): chr1:40,303,562, C>T on the plus strand (G>A on the coding strand, the complement: COL9A2 is on the minus strand). VCF-style: chr1-40303562-C-T. GRCh37 (hg19) VCF-style: chr1-40769234-C-T.
Other names: short protein forms V506M.
Identifiers: ClinVar variation 2418416 (VCV002418416.5), dbSNP rs1225104241, ClinGen allele CA339878023.

ClinVar aggregate classification (germline): Uncertain significance (1 of 4 stars; one submission).

Allele frequency attached by ClinVar (database versions not stated): gnomAD 0.00001.
gnomAD v4.1: 2 of 1,611,516 alleles (0.00012%); highest among the groups gnomAD compares: Non-Finnish European, 0.00017%; no homozygotes.

Submission:

Labcorp Genetics (formerly Invitae), Labcorp
Classification: Uncertain significance. Last evaluated: 2022-07-24. Review status: criteria provided, single submitter. Criteria: Invitae Variant Classification Sherloc (09022015). Collection method: clinical testing. Allele origin: germline.
Comment: In summary, the available evidence is currently insufficient to determine the role of this variant in disease. Therefore, it has been classified as a Variant of Uncertain Significance. Advanced modeling of protein sequence and biophysical properties (such as structural, functional, and spatial information, amino acid conservation, physicochemical variation, residue mobility, and thermodynamic stability) performed at Invitae indicates that this missense variant is not expected to disrupt COL9A2 protein function. This variant has not been reported in the literature in individuals affected with COL9A2-related conditions. This variant is present in population databases (no rsID available, gnomAD 0.007%). This sequence change replaces valine, which is neutral and non-polar, with methionine, which is neutral and non-polar, at codon 506 of the COL9A2 protein (p.Val506Met).